The following is an entry in ClinVar:

ClinVar aggregate classification (germline): Uncertain significance. Review status: criteria provided, single submitter (1 of 4 stars). 2 submissions from 1 submitter: Uncertain significance (2). Last evaluated 2019-05-24.

Conditions:
Spinocerebellar ataxia type 35. Identifiers: Orphanet 276193, MedGen C3888031, MONDO:0013485, OMIM 613908.
Axial muscle stiffness. Identifiers: MedGen C4024962, HP:0006921.
Myopathic facies. Identifiers: MedGen C0332615, HP:0002058.
Rigidity. Identifiers: MedGen C0026837, HP:0002063.
Oculomotor apraxia. Identifiers: MedGen C3489733, HP:0000657.
Parkinsonian disorder. Also called: Parkinsonism. Identifiers: MedGen C0242422, MONDO:0021095, HP:0001300.

Submissions (2):

Centre for Mendelian Genomics, University Medical Centre Ljubljana
Classification: Uncertain significance for Spinocerebellar ataxia type 35. Last evaluated: 2019-05-24. Review status: criteria provided, single submitter. Criteria: ACMG Guidelines, 2015. Collection method: clinical testing. Allele origin: unknown. Affected: yes.
Comment: This variant was classified as: Uncertain significance. The available evidence on this variant's pathogenicity is insufficient or conflicting. The following ACMG criteria were applied in classifying this variant: PM2,BP4.

Centre for Mendelian Genomics, University Medical Centre Ljubljana
Classification: Uncertain significance for Axial muscle stiffness; Myopathic facies; Oculomotor apraxia; Parkinsonian disorder; Rigidity. Last evaluated: 2017-01-01. Review status: criteria provided, single submitter. Criteria: ACMG Guidelines, 2015. Collection method: clinical testing. Allele origin: unknown. Affected: yes.

NM_198994.3(TGM6):c.76C>T (p.Pro26Ser)

Gene: TGM6 (transglutaminase 6; plus strand). Cytogenetic location: 20p13.
Variant type: single nucleotide variant.
Coding change: c.76C>T on transcript NM_198994.3 (MANE Select); coding-DNA position 76, C replaced by T.
Protein change: p.Pro26Ser; replaces proline 26 with serine.
Molecular consequence: missense variant.
Genome position (GRCh38, 1-based): chr20:2,394,520, C>T. VCF-style: chr20-2394520-C-T. GRCh37 (hg19) VCF-style: chr20-2375166-C-T.
Other names: c.76C>T, p.Pro26Ser (NM_001254734.2); short protein forms P26S.
Identifiers: ClinVar variation 523569 (VCV000523569.4), dbSNP rs766248910, ClinGen allele CA408008323.